The following is an entry in ClinVar:

NM_001378454.1(ALMS1):c.11818A>T (p.Thr3940Ser)

Gene: ALMS1 (ALMS1 centrosome and basal body associated protein; plus strand). Cytogenetic location: 2p13.1.
Variant type: single nucleotide variant.
Coding change: c.11818A>T on transcript NM_001378454.1 (MANE Select); coding-DNA position 11818, A replaced by T.
Protein change: p.Thr3940Ser; replaces threonine 3940 with serine.
Molecular consequence: missense variant.
Genome position (GRCh38, 1-based): chr2:73,600,827, A>T. VCF-style: chr2-73600827-A-T. GRCh37 (hg19) VCF-style: chr2-73827954-A-T.
Other names: c.11821A>T, p.Thr3941Ser (NM_015120.4); short protein forms T3940S, T3941S.
Identifiers: ClinVar variation 4704165 (VCV004704165.1).

ClinVar aggregate classification (germline): Uncertain significance (1 of 4 stars; one submission).

Conditions:
Alstrom syndrome (ALMS). Identifiers: Orphanet 64, MedGen C0268425, MONDO:0008763, OMIM 203800.

gnomAD v4.1: 1 of 1,614,228 alleles (0.000062%); no homozygotes.

Submission:

Labcorp Genetics (formerly Invitae), Labcorp
Classification: Uncertain significance for Alstrom syndrome. Last evaluated: 2025-08-24. Review status: criteria provided, single submitter. Criteria: Invitae Variant Classification Sherloc (09022015). Collection method: clinical testing. Allele origin: germline.
Comment: This sequence change replaces threonine, which is neutral and polar, with serine, which is neutral and polar, at codon 3941 of the ALMS1 protein (p.Thr3941Ser). This variant is not present in population databases (gnomAD no frequency). This variant has not been reported in the literature in individuals affected with ALMS1-related conditions. An algorithm developed to predict the effect of missense changes on protein structure and function outputs the following: PolyPhen-2: "Not Available". The serine amino acid residue is found in multiple mammalian species, which suggests that this missense change does not adversely affect protein function. In summary, the available evidence is currently insufficient to determine the role of this variant in disease. Therefore, it has been classified as a Variant of Uncertain Significance.